The following is an entry in ClinVar:

NM_025009.5(CEP135):c.2983T>C (p.Leu995=)

Gene: CEP135 (centrosomal protein 135; plus strand). Cytogenetic location: 4q12.
Variant type: single nucleotide variant.
Coding change: c.2983T>C on transcript NM_025009.5 (MANE Select); coding-DNA position 2983, T replaced by C.
Protein change: p.Leu995=; no amino-acid change (leucine 995 retained).
Molecular consequence: synonymous variant.
Genome position (GRCh38, 1-based): chr4:56,017,828, T>C. VCF-style: chr4-56017828-T-C. GRCh37 (hg19) VCF-style: chr4-56883994-T-C.
Identifiers: ClinVar variation 749102 (VCV000749102.25), dbSNP rs370017366, ClinGen allele CA2928299.
Genomic context (GRCh38, chr4:56,017,828, plus strand): 5'-TCATCTCTTAGAGAACTTTGCATTAAACTTGATTCAGGCAAAGATATTATGACCCAGCAA[T>C]TGAATTCGAAAAACCTTGAGTTTGAGAGGGTAAGAAAGATAAATTGTCTTGGCACATTGT-3'
Protein context (NP_079285.2, residues 985-1005): DSGKDIMTQQ[Leu995=]NSKNLEFERV

ClinVar aggregate classification (germline): Likely benign. Review status: criteria provided, multiple submitters, no conflicts (2 of 4 stars). 4 submissions from 4 submitters: Likely benign (4). Last evaluated 2024-07-15.

Allele frequency attached by ClinVar (database versions not stated): TOPMed 0.00003; gnomAD 0.00005 and 0.00006; ESP Exome Variant Server 0.00008; gnomAD exomes 0.00009 and 0.00014; 1000 Genomes Project 30x 0.00016; ExAC 0.00019; 1000 Genomes Project 0.00020.
gnomAD v4.1: 137 of 1,612,990 alleles (0.0085%); highest among the groups gnomAD compares: South Asian, 0.054%; no homozygotes.

Submissions (4):

Blueprint Genetics
Classification: Likely benign. Last evaluated: 2024-07-15. Review status: criteria provided, single submitter. Criteria: ACMG Guidelines, 2015. Collection method: clinical testing. Allele origin: germline.

CeGaT Center for Human Genetics Tuebingen
Classification: Likely benign. Last evaluated: 2024-07-01. Review status: criteria provided, single submitter. Criteria: CeGaT Center For Human Genetics Tuebingen Variant Classification Criteria Version 2. Collection method: clinical testing. Allele origin: germline. Affected: yes. Observed: 1 variant allele.
Comment: CEP135: BP4, BP7

Labcorp Genetics (formerly Invitae), Labcorp
Classification: Likely benign. Last evaluated: 2024-04-19. Review status: criteria provided, single submitter. Criteria: Invitae Variant Classification Sherloc (09022015). Collection method: clinical testing. Allele origin: germline.

Breakthrough Genomics
Classification: Likely benign. Review status: criteria provided, single submitter. Criteria: ACMG Guidelines, 2015. Collection method: not provided. Allele origin: germline. Inheritance: Autosomal recessive inheritance. Affected: yes.